The following is an entry in ClinVar:

ClinVar aggregate classification (germline): Uncertain significance. Review status: criteria provided, single submitter (1 of 4 stars). 2 submissions from 2 submitters: Uncertain significance (1). 1 of the submissions does not count toward it. Last evaluated 2018-12-05.

Conditions:
Pontocerebellar hypoplasia type 6 (PCH6). Identifiers: Orphanet 166073, MedGen C1969084, MONDO:0012683, OMIM 611523.

Submissions (2):

Baylor Genetics
Classification: Uncertain significance for Pontocerebellar hypoplasia type 6. Last evaluated: 2018-12-05. Review status: criteria provided, single submitter. Criteria: ACMG Guidelines, 2015. Collection method: clinical testing. Allele origin: unknown. Affected: yes.
Comment: This variant was determined to be of uncertain significance according to ACMG Guidelines, 2015 [PMID:25741868].

Natera, Inc.
Classification: Uncertain significance for Pontocerebellar hypoplasia, type 6. Last evaluated: 2025-05-05. Review status: no assertion criteria provided. Collection method: clinical testing. Allele origin: germline. Not counted in ClinVar's aggregate classification.

NM_020320.5(RARS2):c.1168G>A (p.Val390Ile)

Gene: RARS2 (arginyl-tRNA synthetase 2, mitochondrial; minus strand). Cytogenetic location: 6q15.
Variant type: single nucleotide variant.
Coding change: c.1168G>A on transcript NM_020320.5 (MANE Select); coding-DNA position 1168, G replaced by A.
Protein change: p.Val390Ile; replaces valine 390 with isoleucine.
Molecular consequence: missense variant. On other transcripts: non-coding transcript variant (23).
Genome position (GRCh38, 1-based): chr6:87,519,652, C>T on the plus strand (G>A on the coding strand, the complement: RARS2 is on the minus strand). VCF-style: chr6-87519652-C-T. GRCh37 (hg19) VCF-style: chr6-88229370-C-T.
Other names: c.643G>A, p.Val215Ile (NM_001318785.2, NM_001350506.2, NM_001350507.2 and 4 more transcripts); c.1168G>A, p.Val390Ile (NM_001350505.2); c.1168G>A (NM_020320.4); short protein forms V215I, V390I.
Identifiers: ClinVar variation 1032074 (VCV001032074.2), dbSNP rs1773191232, ClinGen allele CA364924003.
Genomic context (GRCh38, chr6:87,519,652, plus strand): 5'-AAGCCATGTTCTGTAGCATCCTTAATTGAATCTCATTTAAAACATCTTCCAGGAAAGTGA[C>T]ATCTCCTCTTCGAGTCTTCATTCCCTGTACTACTCCAAAGGGCACGTGCTGGCACCTAAA-3'
Protein context (NP_064716.2, residues 380-400): VQGMKTRRGD[Val390Ile]TFLEDVLNEI